The following is an entry in ClinVar:

ClinVar aggregate classification (germline): Conflicting classifications of pathogenicity. Review status: criteria provided, conflicting classifications (1 of 4 stars). 2 submissions from 2 submitters: Pathogenic (1); Uncertain significance (1). Last evaluated 2024-05-13.

Submissions (2):

GeneDx
Classification: Uncertain significance. Last evaluated: 2024-05-13. Review status: criteria provided, single submitter. Criteria: GeneDx Variant Classification Process June 2021. Collection method: clinical testing. Allele origin: germline. Affected: yes.
Comment: In silico analysis indicates that this variant does not alter protein structure/function; Not observed at significant frequency in large population cohorts (gnomAD); In-frame insertion of 3 amino acids in a non-repeat region; This variant is associated with the following publications: (PMID: 11062471)

Labcorp Genetics (formerly Invitae), Labcorp
Classification: Pathogenic. Last evaluated: 2023-04-15. Review status: criteria provided, single submitter. Criteria: Invitae Variant Classification Sherloc (09022015). Collection method: clinical testing. Allele origin: germline.
Comment: For these reasons, this variant has been classified as Pathogenic. This variant has been observed in individual(s) with congenital stationary night blindness (PMID: 11062471). It has also been observed to segregate with disease in related individuals. This variant is not present in population databases (gnomAD no frequency). This variant, c.620_628dup, results in the insertion of 3 amino acid(s) of the NYX protein (p.Arg209_Ser210insCysLeuArg), but otherwise preserves the integrity of the reading frame.

Literature cited by the submitters: PubMed 11062471 (cited by Labcorp Genetics (formerly Invitae), Labcorp).

NM_001378477.3(NYX):c.605_613dup (p.Arg204_Ser205insCysLeuArg)

Gene: NYX (nyctalopin; plus strand). Cytogenetic location: Xp11.4.
Variant type: Duplication.
Coding change: c.605_613dup on transcript NM_001378477.3 (MANE Select); coding-DNA positions 605 to 613, 9 bases duplicated (GCCTGCGCT; older notation c.605_613dupGCCTGCGCT).
Protein change: p.Arg204_Ser205insCysLeuArg.
Molecular consequence: inframe insertion.
Genome position (GRCh38, 1-based): chrX:41,474,073-41,474,081, GCCTGCGCT duplicated. VCF-style (leftmost placement, unchanged base first): chrX-41474072-C-CGCCTGCGCT. GRCh37 (hg19) VCF-style: chrX-41333325-C-CGCCTGCGCT.
Other names: c.605_613dup, p.Arg204_Ser205insCysLeuArg (NM_022567.3); c.620_628dup (NM_022567.2).
Identifiers: ClinVar variation 2737208 (VCV002737208.4), dbSNP rs2519607721, ClinGen allele CA2695233441.
Genomic context (GRCh38, chrX:41,474,072, plus strand): 5'-GCGCACCTGGAGCGCGGCCGCATCGAGGCGGTGGCCTCCAGCTCGCTGCAGGGCCTGCGC[C>CGCCTGCGCT]GCCTGCGCTCGCTCAGCCTGCAGGCCAACCGCGTCCGTGCCGTGCACGCTGGCGCCTTCG-3'